The following is an entry in ClinVar:

NM_020778.5(ALPK3):c.4436G>C (p.Arg1479Pro)

Gene: ALPK3 (alpha kinase 3; plus strand). Cytogenetic location: 15q25.3.
Variant type: single nucleotide variant.
Coding change: c.4436G>C on transcript NM_020778.5 (MANE Select); coding-DNA position 4436, G replaced by C.
Protein change: p.Arg1479Pro; replaces arginine 1479 with proline.
Molecular consequence: missense variant.
Genome position (GRCh38, 1-based): chr15:84,863,577, G>C. VCF-style: chr15-84863577-G-C. GRCh37 (hg19) VCF-style: chr15-85406808-G-C.
Other names: short protein forms R1479P.
Identifiers: ClinVar variation 3683520 (VCV003683520.2).

ClinVar aggregate classification (germline): Uncertain significance (1 of 4 stars; one submission).

gnomAD v4.1: 5 of 1,614,014 alleles (0.00031%); highest among the groups gnomAD compares: Non-Finnish European, 0.00042%; no homozygotes.

Submission:

Labcorp Genetics (formerly Invitae), Labcorp
Classification: Uncertain significance. Last evaluated: 2024-08-08. Review status: criteria provided, single submitter. Criteria: Invitae Variant Classification Sherloc (09022015). Collection method: clinical testing. Allele origin: germline.
Comment: This sequence change replaces arginine, which is basic and polar, with proline, which is neutral and non-polar, at codon 1681 of the ALPK3 protein (p.Arg1681Pro). This variant is present in population databases (no rsID available, gnomAD 0.0009%). This variant has not been reported in the literature in individuals affected with ALPK3-related conditions. An algorithm developed to predict the effect of missense changes on protein structure and function (PolyPhen-2) suggests that this variant is likely to be disruptive. In summary, the available evidence is currently insufficient to determine the role of this variant in disease. Therefore, it has been classified as a Variant of Uncertain Significance.